The following is an entry in ClinVar:

ClinVar aggregate classification (germline): Likely benign. Review status: criteria provided, multiple submitters, no conflicts (2 of 4 stars). 2 submissions from 2 submitters: Likely benign (2). Last evaluated 2025-12-14.

Conditions:
Arrhythmogenic right ventricular dysplasia 11. Also called: ARRHYTHMOGENIC RIGHT VENTRICULAR DYSPLASIA, FAMILIAL, 11; Arrhythmogenic Right Ventricular Dysplasia/Cardiomyopathy11; Arrhythmogenic right ventricular dysplasia 11 with mild palmoplantar keratoderma and woolly hair. Identifiers: MedGen C1864850, MONDO:0012506, OMIM 610476.
Familial isolated arrhythmogenic right ventricular dysplasia. Identifiers: Orphanet 217656, MedGen C4274968, MONDO:0016342.

Allele frequency attached by ClinVar (database versions not stated): gnomAD 0.00001.
gnomAD v4.1: 6 of 1,613,900 alleles (0.00037%); highest among the groups gnomAD compares: Non-Finnish European, 0.00051%; no homozygotes.

Submissions (2):

Labcorp Genetics (formerly Invitae), Labcorp
Classification: Likely benign for Arrhythmogenic right ventricular dysplasia 11. Last evaluated: 2025-12-14. Review status: criteria provided, single submitter. Criteria: Invitae Variant Classification Sherloc (09022015). Collection method: clinical testing. Allele origin: germline.

All of Us Research Program, National Institutes of Health
Classification: Likely benign for Familial isolated arrhythmogenic right ventricular dysplasia. Last evaluated: 2023-11-20. Review status: criteria provided, single submitter. Criteria: ACMG Guidelines, 2015. Collection method: clinical testing. Allele origin: germline. Inheritance: Autosomal dominant inheritance. Observed: 3 variant alleles, 3 heterozygotes.
Comment: This study involves interpretation of variants in research participants for the purpose of population health screening. Participant phenotype was not available at the time of variant classification. Additional details can be found in publication PMID: 35346344, PMCID: PMC8962531

NM_024422.6(DSC2):c.2562C>G (p.Val854=)

Gene: DSC2 (desmocollin 2; minus strand). Cytogenetic location: 18q12.1.
Variant type: single nucleotide variant.
Coding change: c.2562C>G on transcript NM_024422.6 (MANE Select); coding-DNA position 2562, C replaced by G.
Protein change: p.Val854=; no amino-acid change (valine 854 retained).
Molecular consequence: synonymous variant. On other transcripts: 3 prime UTR variant (2).
Genome position (GRCh38, 1-based): chr18:31,068,159, G>C on the plus strand (C>G on the coding strand, the complement: DSC2 is on the minus strand). VCF-style: chr18-31068159-G-C. GRCh37 (hg19) VCF-style: chr18-28648125-G-C.
Other names: c.2133C>G, p.Val711= (NM_001406506.1); c.*64C>G (NM_001406507.1, NM_004949.5).
Identifiers: ClinVar variation 3069914 (VCV003069914.2), dbSNP rs1207984278, ClinGen allele CA503527704.